The following is an entry in ClinVar:

NM_019892.6(INPP5E):c.519C>G (p.His173Gln)

Gene: INPP5E (inositol polyphosphate-5-phosphatase E; minus strand). Cytogenetic location: 9q34.3.
Variant type: single nucleotide variant.
Coding change: c.519C>G on transcript NM_019892.6 (MANE Select); coding-DNA position 519, C replaced by G.
Protein change: p.His173Gln; replaces histidine 173 with glutamine.
Molecular consequence: missense variant.
Genome position (GRCh38, 1-based): chr9:136,438,901, G>C on the plus strand (C>G on the coding strand, the complement: INPP5E is on the minus strand). VCF-style: chr9-136438901-G-C. GRCh37 (hg19) VCF-style: chr9-139333353-G-C.
Other names: c.519C>G, p.His173Gln (NM_001318502.2); short protein forms H173Q.
Identifiers: ClinVar variation 1508028 (VCV001508028.8), dbSNP rs1835910820, ClinGen allele CA375568517.
Genomic context (GRCh38, chr9:136,438,901, plus strand): 5'-TGGGCGCGGGGGCAGCAGGCTGGGCAGCCTGGGCGAGCTCCCCGCCACGGCGGCGTCTCT[G>C]TGCGGGAGGTTCGGGGAGCTGCTGGCCACCCCAGAGAGAGGGTTACCCCCCGAGGACGGG-3'
Protein context (NP_063945.2, residues 163-183): GVASSSPNLP[His173Gln]RDAAVAGSSP

ClinVar aggregate classification (germline): Uncertain significance (1 of 4 stars; one submission).

Conditions:
Joubert syndrome. Also called: CEREBELLOPARENCHYMAL DISORDER IV; JOUBERT-BOLTSHAUSER SYNDROME; Familial aplasia of the vermis. Identifiers: Orphanet 475, MedGen C5979921, MONDO:0018772.

Submission:

Labcorp Genetics (formerly Invitae), Labcorp
Classification: Uncertain significance for Joubert syndrome. Last evaluated: 2022-07-05. Review status: criteria provided, single submitter. Criteria: Invitae Variant Classification Sherloc (09022015). Collection method: clinical testing. Allele origin: germline.
Comment: This variant is not present in population databases (gnomAD no frequency). In summary, the available evidence is currently insufficient to determine the role of this variant in disease. Therefore, it has been classified as a Variant of Uncertain Significance. Algorithms developed to predict the effect of sequence changes on RNA splicing suggest that this variant may create or strengthen a splice site. Advanced modeling of protein sequence and biophysical properties (such as structural, functional, and spatial information, amino acid conservation, physicochemical variation, residue mobility, and thermodynamic stability) performed at Invitae indicates that this missense variant is not expected to disrupt INPP5E protein function. ClinVar contains an entry for this variant (Variation ID: 1508028). This variant has not been reported in the literature in individuals affected with INPP5E-related conditions. This sequence change replaces histidine, which is basic and polar, with glutamine, which is neutral and polar, at codon 173 of the INPP5E protein (p.His173Gln).